The following is an entry in ClinVar:

ClinVar aggregate classification (germline): Uncertain significance (1 of 4 stars; one submission).

Conditions:
Hereditary cancer-predisposing syndrome. Also called: Neoplastic Syndromes, Hereditary; Tumor predisposition; Hereditary Cancer Syndrome; Hereditary neoplastic syndrome. Identifiers: Orphanet 140162, MedGen C0027672, MeSH D009386, MONDO:0015356.

Submission:

Ambry Genetics
Classification: Uncertain significance for Hereditary cancer-predisposing syndrome. Last evaluated: 2026-01-16. Review status: criteria provided, single submitter. Criteria: Ambry Variant Classification Scheme 2023. Collection method: clinical testing. Allele origin: germline.
Comment: The p.V319E variant (also known as c.956T>A), located in coding exon 2 of the AXIN2 gene, results from a T to A substitution at nucleotide position 956. The amino acid change results in valine to glutamic acid at codon 319, an amino acid with dissimilar properties. However, this change occurs in the last base pair of coding exon 2, which makes it likely to have some effect on normal mRNA splicing. This nucleotide position is highly conserved in available vertebrate species. In silico splice site analysis predicts that this alteration will result in the creation or strengthening of a novel splice donor site. RNA studies have demonstrated that this alteration does not result in abnormal splicing in the set of samples tested (Ambry internal data). This amino acid position is highly conserved in available vertebrate species. In addition, as a missense alteration this is predicted to be deleterious by in silico analysis. Based on the available evidence, the clinical significance of this variant remains unclear.

NM_004655.4(AXIN2):c.956T>A (p.Val319Glu)

Gene: AXIN2 (axin 2; minus strand). Cytogenetic location: 17q24.1.
Variant type: single nucleotide variant.
Coding change: c.956T>A on transcript NM_004655.4 (MANE Select); coding-DNA position 956, T replaced by A.
Protein change: p.Val319Glu; replaces valine 319 with glutamic acid.
Molecular consequence: missense variant.
Genome position (GRCh38, 1-based): chr17:65,549,520, A>T on the plus strand (T>A on the coding strand, the complement: AXIN2 is on the minus strand). VCF-style: chr17-65549520-A-T. GRCh37 (hg19) VCF-style: chr17-63545638-A-T.
Other names: c.956T>A, p.Val319Glu (NM_001363813.1); short protein forms V319E.
Identifiers: ClinVar variation 4843062 (VCV004843062.1).